The following is an entry in ClinVar:

ClinVar aggregate classification (germline): Uncertain significance (1 of 4 stars; one submission).

gnomAD v4.1: 1 of 1,600,304 alleles (0.000062%); highest among the groups gnomAD compares: Non-Finnish European, 0.000085%; no homozygotes.

Submission:

Ambry Genetics
Classification: Uncertain significance. Last evaluated: 2024-12-20. Review status: criteria provided, single submitter. Criteria: Ambry Variant Classification Scheme 2023. Collection method: clinical testing. Allele origin: germline.
Comment: The p.A1470V variant (also known as c.4409C>T), located in coding exon 19 of the WNK2 gene, results from a C to T substitution at nucleotide position 4409. The alanine at codon 1470 is replaced by valine, an amino acid with similar properties. This amino acid position is conserved. In addition, this alteration is predicted to be tolerated by in silico analysis. Based on the available evidence, the clinical significance of this variant remains unclear.

NM_006648.4(WNK2):c.4409C>T (p.Ala1470Val)

Gene: WNK2 (WNK lysine deficient protein kinase 2; plus strand). Cytogenetic location: 9q22.31.
Variant type: single nucleotide variant.
Coding change: c.4409C>T on transcript NM_006648.4 (MANE Select); coding-DNA position 4409, C replaced by T.
Protein change: p.Ala1470Val; replaces alanine 1470 with valine.
Molecular consequence: missense variant.
Genome position (GRCh38, 1-based): chr9:93,289,163, C>T. VCF-style: chr9-93289163-C-T. GRCh37 (hg19) VCF-style: chr9-96051445-C-T.
Other names: c.4520C>T, p.Ala1507Val (NM_001282394.3); short protein forms A1470V, A1507V.
Identifiers: ClinVar variation 3816547 (VCV003816547.1).